The following is an entry in ClinVar:

ClinVar aggregate classification (germline): Uncertain significance (1 of 4 stars; one submission).

Conditions:
Immunodeficiency 51 (IMD51). Also called: CANDIDIASIS, FAMILIAL, 5. Identifiers: Orphanet 1334, MedGen C4310803, MONDO:0013500, OMIM 613953.

Allele frequency attached by ClinVar (database versions not stated): TOPMed 0.00007; ESP Exome Variant Server 0.00008; gnomAD 0.00011; gnomAD exomes 0.00011 and 0.00016; ExAC 0.00018.
gnomAD v4.1: 181 of 1,614,074 alleles (0.011%); highest among the groups gnomAD compares: South Asian, 0.04%; 2 homozygotes.

Submission:

Labcorp Genetics (formerly Invitae), Labcorp
Classification: Uncertain significance for Immunodeficiency 51. Last evaluated: 2026-01-27. Review status: criteria provided, single submitter. Criteria: Invitae Variant Classification Sherloc (09022015). Collection method: clinical testing. Allele origin: germline.
Comment: This sequence change replaces valine, which is neutral and non-polar, with isoleucine, which is neutral and non-polar, at codon 336 of the IL17RA protein (p.Val336Ile). This variant is present in population databases (rs138404135, gnomAD 0.05%). This variant has not been reported in the literature in individuals affected with IL17RA-related conditions. ClinVar contains an entry for this variant (Variation ID: 1011215). Invitae Evidence Modeling of protein sequence and biophysical properties (such as structural, functional, and spatial information, amino acid conservation, physicochemical variation, residue mobility, and thermodynamic stability) indicates that this missense variant is not expected to disrupt IL17RA protein function with a negative predictive value of 80%. In summary, the available evidence is currently insufficient to determine the role of this variant in disease. Therefore, it has been classified as a Variant of Uncertain Significance.

NM_014339.7(IL17RA):c.1006G>A (p.Val336Ile)

Genes: IL17RA (interleukin 17 receptor A; plus strand), LOC129391259 (MPRA-validated peak4440 silencer; plus strand). Cytogenetic location: 22q11.1.
Variant type: single nucleotide variant.
Coding change: c.1006G>A on transcript NM_014339.7 (MANE Select); coding-DNA position 1006, G replaced by A.
Protein change: p.Val336Ile; replaces valine 336 with isoleucine.
Molecular consequence: missense variant. On other transcripts: intron variant (1).
Genome position (GRCh38, 1-based): chr22:17,105,915, G>A. VCF-style: chr22-17105915-G-A. GRCh37 (hg19) VCF-style: chr22-17586805-G-A.
Other names: c.943+313G>A (NM_001289905.2); short protein forms V336I.
Identifiers: ClinVar variation 1011215 (VCV001011215.5), dbSNP rs138404135, ClinGen allele CA10086614.
Genomic context (GRCh38, chr22:17,105,915, plus strand): 5'-TACATGCCCCTGTGGGTGTACTGGTTCATCACGGGCATCTCCATCCTGCTGGTGGGCTCC[G>A]TCATCCTGCTCATCGTCTGCATGACCTGGAGGCTAGCTGGTAAGCGCTGGGGCTCTGGCT-3'
Protein context (NP_055154.3, residues 326-346): TGISILLVGS[Val336Ile]ILLIVCMTWR